The following is an entry in ClinVar:

NM_000465.4(BARD1):c.1628_1632del (p.Leu543fs)

Gene: BARD1 (BRCA1 associated RING domain 1; minus strand). Cytogenetic location: 2q35.
Variant type: Deletion.
Coding change: c.1628_1632del on transcript NM_000465.4 (MANE Select); coding-DNA positions 1628 to 1632, 5 bases deleted (TGCTG; older notation c.1628_1632delTGCTG).
Protein change: p.Leu543fs; shifts the reading frame from leucine 543.
Molecular consequence: frameshift variant. On other transcripts: non-coding transcript variant (3), intron variant (1).
Genome position (GRCh38, 1-based): chr2:214,752,492-214,752,496, CAGCA deleted on the plus strand (TGCTG on the coding strand, the reverse complement: BARD1 is on the minus strand). VCF-style (leftmost placement, unchanged base first): chr2-214752491-GCAGCA-G. GRCh37 (hg19) VCF-style: chr2-215617215-GCAGCA-G.
Other names: c.1571_1575del, p.Leu524fs (NM_001282543.2); c.275_279del, p.Leu92fs (NM_001282545.2); c.218_222del, p.Leu73fs (NM_001282548.2); c.365-21988_365-21984del (NM_001282549.2); short protein forms L524fs, L543fs, L73fs, L92fs.
Identifiers: ClinVar variation 2583241 (VCV002583241.2), dbSNP rs2469378204, ClinGen allele CA2582342070.

ClinVar aggregate classification (germline): Pathogenic (1 of 4 stars; one submission).

Conditions:
Familial cancer of breast. Also called: Hereditary breast cancer; BREAST CANCER, FAMILIAL; hereditary breast carcinoma. Identifiers: Orphanet 227535, MedGen C0346153, MONDO:0016419, OMIM 114480. Disease mechanism: loss of function.

Submission:

Myriad Genetics, Inc.
Classification: Pathogenic for Familial cancer of breast. Last evaluated: 2023-05-23. Review status: criteria provided, single submitter. Criteria: Myriad Autosomal Dominant, Autosomal Recessive and X-Linked Classification Criteria (2023). Collection method: clinical testing. Allele origin: unknown.
Comment: This variant is considered pathogenic. This variant creates a frameshift predicted to result in premature protein truncation.